The following is an entry in ClinVar:

ClinVar aggregate classification (germline): Uncertain significance (1 of 4 stars; one submission).

Conditions:
Renal cysts and diabetes syndrome (RCAD). Also called: Familial hypoplastic, glomerulocystic kidney; MATURITY-ONSET DIABETES OF THE YOUNG, TYPE 5. Identifiers: Orphanet 93111, MedGen C0431693, MONDO:0007669, OMIM 137920.

Submission:

Neuberg Centre For Genomic Medicine, NCGM
Classification: Uncertain significance for Renal cysts and diabetes syndrome. Last evaluated: 2023-05-20. Review status: criteria provided, single submitter. Criteria: ACMG Guidelines, 2015. Collection method: clinical testing. Allele origin: germline. Inheritance: Autosomal dominant inheritance. Affected: yes.
Comment: The missense variant c.282G>T(p.Glu94Asp) in HNF1B gene has not been reported previously as a pathogenic variant nor as a benign variant, to our knowledge. The observed variant is abent in gnomAD exomes database. This variant has not been submitted to the ClinVar database. Multiple lines of computational evidence (Polyphen - possibly damaging, SIFT - tolerated and MutationTaster - disease causing) predicts conflicting evidence on protein structure and function for this variant. The reference amino acid change p.Glu94Asp in HNF1B is predicted as conserved by GERP++ and PhyloP across 100 vertebrates. The amino acid Glu at position 94 is changed to a Asp changing protein sequence and it might alter its composition and physico-chemical properties. For these reasons, this variant has been classified as Uncertain Significance (VUS).

NM_000458.4(HNF1B):c.282G>T (p.Glu94Asp)

Gene: HNF1B (HNF1 homeobox B; minus strand). Cytogenetic location: 17q12.
Variant type: single nucleotide variant.
Coding change: c.282G>T on transcript NM_000458.4 (MANE Select); coding-DNA position 282, G replaced by T.
Protein change: p.Glu94Asp; replaces glutamic acid 94 with aspartic acid.
Molecular consequence: missense variant.
Genome position (GRCh38, 1-based): chr17:37,744,603, C>A on the plus strand (G>T on the coding strand, the complement: HNF1B is on the minus strand). VCF-style: chr17-37744603-C-A. GRCh37 (hg19) VCF-style: chr17-36104594-C-A.
Other names: c.282G>T, p.Glu94Asp (NM_001165923.4, NM_001304286.2, NM_001411100.1); short protein forms E94D.
Identifiers: ClinVar variation 3367003 (VCV003367003.1).